The following is an entry in ClinVar:

ClinVar aggregate classification (germline): Uncertain significance (1 of 4 stars; one submission).

Submission:

Labcorp Genetics (formerly Invitae), Labcorp
Classification: Uncertain significance. Last evaluated: 2022-04-21. Review status: criteria provided, single submitter. Criteria: Invitae Variant Classification Sherloc (09022015). Collection method: clinical testing. Allele origin: germline.
Comment: In summary, the available evidence is currently insufficient to determine the role of this variant in disease. Therefore, it has been classified as a Variant of Uncertain Significance. Algorithms developed to predict the effect of missense changes on protein structure and function (SIFT, PolyPhen-2, Align-GVGD) all suggest that this variant is likely to be tolerated. This variant has not been reported in the literature in individuals affected with SNRNP200-related conditions. This variant is not present in population databases (gnomAD no frequency). This sequence change replaces threonine, which is neutral and polar, with isoleucine, which is neutral and non-polar, at codon 642 of the SNRNP200 protein (p.Thr642Ile).

NM_014014.5(SNRNP200):c.1925C>T (p.Thr642Ile)

Gene: SNRNP200 (small nuclear ribonucleoprotein U5 subunit 200; minus strand). Cytogenetic location: 2q11.2.
Variant type: single nucleotide variant.
Coding change: c.1925C>T on transcript NM_014014.5 (MANE Select); coding-DNA position 1925, C replaced by T.
Protein change: p.Thr642Ile; replaces threonine 642 with isoleucine.
Molecular consequence: missense variant.
Genome position (GRCh38, 1-based): chr2:96,293,427, G>A on the plus strand (C>T on the coding strand, the complement: SNRNP200 is on the minus strand). VCF-style: chr2-96293427-G-A. GRCh37 (hg19) VCF-style: chr2-96959165-G-A.
Other names: short protein forms T642I.
Identifiers: ClinVar variation 2128677 (VCV002128677.4), dbSNP rs2467342787, ClinGen allele CA347680312.